The following is an entry in ClinVar:

NM_014991.6(WDFY3):c.6931A>G (p.Met2311Val)

Gene: WDFY3 (WD repeat and FYVE domain containing 3; minus strand). Cytogenetic location: 4q21.23.
Variant type: single nucleotide variant.
Coding change: c.6931A>G on transcript NM_014991.6 (MANE Select); coding-DNA position 6931, A replaced by G.
Protein change: p.Met2311Val; replaces methionine 2311 with valine.
Molecular consequence: missense variant.
Genome position (GRCh38, 1-based): chr4:84,735,105, T>C on the plus strand (A>G on the coding strand, the complement: WDFY3 is on the minus strand). VCF-style: chr4-84735105-T-C. GRCh37 (hg19) VCF-style: chr4-85656258-T-C.
Other names: short protein forms M2311V.
Identifiers: ClinVar variation 3365720 (VCV003365720.2).

ClinVar aggregate classification (germline): Uncertain significance (1 of 4 stars; one submission).

Submission:

GeneDx
Classification: Uncertain significance. Last evaluated: 2026-07-26. Review status: criteria provided, single submitter. Criteria: GeneDx Variant Classification Process June 2021. Collection method: clinical testing. Allele origin: germline.
Comment: Not observed at significant frequency in large population cohorts (gnomAD); In silico analysis suggests that this missense variant does not alter protein structure/function; Has not been previously published as pathogenic or benign to our knowledge